The following is an entry in ClinVar:

ClinVar aggregate classification (germline): Uncertain significance (1 of 4 stars; one submission).

Conditions:
Hereditary breast ovarian cancer syndrome. Also called: Breast and ovarian cancer; BRCA1- and BRCA2-Associated Hereditary Breast and Ovarian Cancer; Hereditary breast and ovarian cancer syndrome; Hereditary breast and ovarian cancer; Hereditary breast and ovarian cancer syndrome (HBOC); Hereditary breast and/or ovarian cancer syndrome. Identifiers: Orphanet 145, MedGen C0677776, MeSH D061325, MONDO:0003582. Disease mechanism: loss of function.

Submission:

Labcorp Genetics (formerly Invitae), Labcorp
Classification: Uncertain significance for Hereditary breast ovarian cancer syndrome. Last evaluated: 2026-01-05. Review status: criteria provided, single submitter. Criteria: Invitae Variant Classification Sherloc (09022015). Collection method: clinical testing. Allele origin: germline.
Comment: This variant, c.6385_6387del, results in the deletion of 1 amino acid(s) of the BRCA2 protein (p.Glu2129del), but otherwise preserves the integrity of the reading frame. This variant is not present in population databases (gnomAD no frequency). This variant has not been reported in the literature in individuals affected with BRCA2-related conditions. ClinVar contains an entry for this variant (Variation ID: 2058148). Experimental studies and prediction algorithms are not available or were not evaluated, and the functional significance of this variant is currently unknown. In summary, the available evidence is currently insufficient to determine the role of this variant in disease. Therefore, it has been classified as a Variant of Uncertain Significance.

NM_000059.4(BRCA2):c.6385_6387del (p.Glu2129del)

Gene: BRCA2 (BRCA2 DNA repair associated; plus strand). Cytogenetic location: 13q13.1.
Variant type: Deletion.
Coding change: c.6385_6387del on transcript NM_000059.4 (MANE Select); coding-DNA positions 6385 to 6387, 3 bases deleted (GAA; older notation c.6385_6387delGAA).
Protein change: p.Glu2129del; deletes glutamic acid 2129.
Molecular consequence: inframe deletion. On other transcripts: inframe indel (2).
Genome position (GRCh38, 1-based): chr13:32,340,740-32,340,742, GAA deleted; deleting any 3 consecutive bases within chr13:32,340,738-32,340,742 gives the same sequence; the c. name uses the placement nearest the transcript's 3' end. VCF-style (leftmost placement, unchanged base first): chr13-32340737-AAAG-A. GRCh37 (hg19) VCF-style: chr13-32914874-AAAG-A.
Other names: c.6385_6387delGAA, p.Glu2129del (NM_001406719.1, NM_001406720.1); short protein forms E2129del.
Identifiers: ClinVar variation 2058148 (VCV002058148.4), dbSNP rs2548533145, ClinGen allele CA2580087901.